The following is an entry in ClinVar:

NM_015272.5(RPGRIP1L):c.1608_1614del (p.Met537fs)

Gene: RPGRIP1L (RPGRIP1 like; minus strand). Cytogenetic location: 16q12.2.
Variant type: Deletion.
Coding change: c.1608_1614del on transcript NM_015272.5 (MANE Select); coding-DNA positions 1608 to 1614, 7 bases deleted (GATGGAA; older notation c.1608_1614delGATGGAA).
Protein change: p.Met537fs; shifts the reading frame from methionine 537.
Molecular consequence: frameshift variant.
Genome position (GRCh38, 1-based): chr16:53,656,557-53,656,563, TTCCATC deleted on the plus strand (GATGGAA on the coding strand, the reverse complement: RPGRIP1L is on the minus strand); deleting any 7 consecutive bases within chr16:53,656,557-53,656,565 gives the same sequence; the c. name uses the placement nearest the transcript's 3' end. VCF-style (leftmost placement, unchanged base first): chr16-53656556-TTTCCATC-T. GRCh37 (hg19) VCF-style: chr16-53690468-TTTCCATC-T.
Other names: c.1608_1614del, p.Met537fs (NM_001127897.4, NM_001308334.3, NM_001330538.2); short protein forms M537fs.
Identifiers: ClinVar variation 1451910 (VCV001451910.7), dbSNP rs2151150644, ClinGen allele CA2573152396.

ClinVar aggregate classification (germline): Pathogenic/Likely pathogenic. Review status: criteria provided, multiple submitters, no conflicts (2 of 4 stars). 2 submissions from 2 submitters: Pathogenic (1); Likely pathogenic (1). Last evaluated 2024-05-30.

Conditions:
Meckel syndrome, type 5 (MKS5). Identifiers: Orphanet 564, MedGen C1969052, MONDO:0012695, OMIM 611561.
Joubert syndrome 7 (JBTS7). Identifiers: Orphanet 220497, MedGen C1969053, MONDO:0012694, OMIM 611560.
COACH syndrome 3. Identifiers: MedGen C5436841, MONDO:0030862, OMIM 619113.
Meckel-Gruber syndrome. Also called: DYSENCEPHALIA SPLANCHNOCYSTICA; GRUBER SYNDROME; Dysencephalia splachnocystica. Identifiers: Orphanet 564, MedGen C0265215, MONDO:0018921.
Joubert syndrome. Also called: CEREBELLOPARENCHYMAL DISORDER IV; JOUBERT-BOLTSHAUSER SYNDROME; Familial aplasia of the vermis. Identifiers: Orphanet 475, MedGen C5979921, MONDO:0018772.

Submissions (2):

Fulgent Genetics
Classification: Likely pathogenic for Joubert syndrome 7; Meckel syndrome, type 5; COACH syndrome 3. Last evaluated: 2024-05-30. Review status: criteria provided, single submitter. Criteria: ACMG Guidelines, 2015. Collection method: clinical testing. Allele origin: germline.

Labcorp Genetics (formerly Invitae), Labcorp
Classification: Pathogenic for Joubert syndrome; Meckel-Gruber syndrome. Last evaluated: 2023-10-22. Review status: criteria provided, single submitter. Criteria: Invitae Variant Classification Sherloc (09022015). Collection method: clinical testing. Allele origin: germline.
Comment: This sequence change creates a premature translational stop signal (p.Met537Ilefs*27) in the RPGRIP1L gene. It is expected to result in an absent or disrupted protein product. Loss-of-function variants in RPGRIP1L are known to be pathogenic (PMID: 17558409). This variant is not present in population databases (gnomAD no frequency). This variant has not been reported in the literature in individuals affected with RPGRIP1L-related conditions. ClinVar contains an entry for this variant (Variation ID: 1451910). For these reasons, this variant has been classified as Pathogenic.

Literature cited by the submitters: PubMed 17558409 (cited by Labcorp Genetics (formerly Invitae), Labcorp).